The following is an entry in ClinVar:

ClinVar aggregate classification (germline): Uncertain significance. Review status: criteria provided, multiple submitters, no conflicts (2 of 4 stars). 2 submissions from 2 submitters: Uncertain significance (2). Last evaluated 2026-03-23.

Conditions:
Inborn genetic diseases. Identifiers: MedGen C0950123, MeSH D030342.
Deafness-lymphedema-leukemia syndrome. Also called: Lymphedema, primary, with myelodysplasia; Emberger syndrome. Identifiers: Orphanet 3226, MedGen C3279664, MONDO:0013540, OMIM 614038.
Monocytopenia with susceptibility to infections. Also called: MONOCYTOPENIA AND MYCOBACTERIAL INFECTION SYNDROME; MONOCYTOPENIA WITH SUSCEPTIBILITY TO MYCOBACTERIAL, FUNGAL, AND PAPILLOMAVIRUS INFECTIONS AND MYELODYSPLASIA; COMBINED IMMUNODEFICIENCY WITH SUSCEPTIBILITY TO MYCOBACTERIAL, VIRAL, AND FUNGAL INFECTIONS; Dendritic cell, monocyte, B lymphocyte, and natural killer lymphocyte deficiency; IMMUNODEFICIENCY 21; GATA2 DEFICIENCY. Identifiers: Orphanet 228423, MedGen C3280030, MONDO:0013607, OMIM 614172.

Allele frequency attached by ClinVar (database versions not stated): gnomAD exomes below 0.00001.

Submissions (2):

Ambry Genetics
Classification: Uncertain significance for Inborn genetic diseases. Last evaluated: 2026-03-23. Review status: criteria provided, single submitter. Criteria: Ambry Variant Classification Scheme 2023. Collection method: clinical testing. Allele origin: germline.
Comment: The p.H323R variant (also known as c.968A>G), located in coding exon 3 of the GATA2 gene, results from an A to G substitution at nucleotide position 968. The histidine at codon 323 is replaced by arginine, an amino acid with highly similar properties. This amino acid position is conserved. In addition, this alteration is predicted to be deleterious by in silico analysis. Based on the available evidence, the clinical significance of this variant remains unclear.

Labcorp Genetics (formerly Invitae), Labcorp
Classification: Uncertain significance for Monocytopenia with susceptibility to infections; Deafness-lymphedema-leukemia syndrome. Last evaluated: 2024-04-10. Review status: criteria provided, single submitter. Criteria: Invitae Variant Classification Sherloc (09022015). Collection method: clinical testing. Allele origin: germline.
Comment: This sequence change replaces histidine, which is basic and polar, with arginine, which is basic and polar, at codon 323 of the GATA2 protein (p.His323Arg). This variant is present in population databases (no rsID available, gnomAD 0.0009%). This variant has not been reported in the literature in individuals affected with GATA2-related conditions. ClinVar contains an entry for this variant (Variation ID: 1499087). Advanced modeling of protein sequence and biophysical properties (such as structural, functional, and spatial information, amino acid conservation, physicochemical variation, residue mobility, and thermodynamic stability) has been performed at Invitae for this missense variant, however the output from this modeling did not meet the statistical confidence thresholds required to predict the impact of this variant on GATA2 protein function. In summary, the available evidence is currently insufficient to determine the role of this variant in disease. Therefore, it has been classified as a Variant of Uncertain Significance.

NM_032638.5(GATA2):c.968A>G (p.His323Arg)

Gene: GATA2 (GATA binding protein 2; minus strand). Cytogenetic location: 3q21.3.
Variant type: single nucleotide variant.
Coding change: c.968A>G on transcript NM_032638.5 (MANE Select); coding-DNA position 968, A replaced by G.
Protein change: p.His323Arg; replaces histidine 323 with arginine.
Molecular consequence: missense variant.
Genome position (GRCh38, 1-based): chr3:128,483,909, T>C on the plus strand (A>G on the coding strand, the complement: GATA2 is on the minus strand). VCF-style: chr3-128483909-T-C. GRCh37 (hg19) VCF-style: chr3-128202752-T-C.
Other names: c.968A>G, p.His323Arg (NM_001145661.2, NM_001145662.1); c.968A>G (NM_032638.4); short protein forms H323R.
Identifiers: ClinVar variation 1499087 (VCV001499087.7), dbSNP rs1442352352, ClinGen allele CA354404450.